The following is an entry in ClinVar:

NM_000277.3(PAH):c.799C>T (p.Gln267Ter)

Gene: PAH (phenylalanine hydroxylase; minus strand). Cytogenetic location: 12q23.2.
Variant type: single nucleotide variant.
Coding change: c.799C>T on transcript NM_000277.3 (MANE Select); coding-DNA position 799, C replaced by T.
Protein change: p.Gln267Ter; replaces glutamine 267 with a stop codon.
Molecular consequence: nonsense.
Genome position (GRCh38, 1-based): chr12:102,852,858, G>A on the plus strand (C>T on the coding strand, the complement: PAH is on the minus strand). VCF-style: chr12-102852858-G-A. GRCh37 (hg19) VCF-style: chr12-103246636-G-A.
Other names: c.799C>T, p.Gln267Ter (NM_001354304.2); short protein forms Q267*.
Identifiers: ClinVar variation 665198 (VCV000665198.9), dbSNP rs199475676, ClinGen allele CA16020861.

ClinVar aggregate classification (germline): Pathogenic. Review status: reviewed by expert panel (3 of 4 stars). 2 submissions from 2 submitters: Pathogenic (1). 1 of the submissions does not count toward it. Last evaluated 2020-05-09.

Conditions:
Phenylketonuria (PKU). Also called: Phenylketonuria (PKU); Phenylketonurias; FOLLING DISEASE; OLIGOPHRENIA PHENYLPYRUVICA. Identifiers: Orphanet 716, MedGen C0031485, MONDO:0009861, OMIM 261600. Disease mechanism: loss of function.

Submissions (2):

ClinGen PAH Variant Curation Expert Panel
Classification: Pathogenic for Phenylketonuria. Last evaluated: 2020-05-09. Review status: reviewed by expert panel. Criteria: ClinGen PAH ACMG Specifications v1. Collection method: curation. Allele origin: germline. Inheritance: Autosomal recessive inheritance.
Comment: The PAH variant c.799C>T (p.Gln267Ter) is a null variant (stop gain) located in exon number 7 of the PAH gene. Loss of function in the PAH gene is a mechanism of disease. Eleven null variants in exon 7 of the PAH gene have been reported. The mRNA transcript is predicted to undergo NMD. BH4 deficiency was excluded by analysis of urinary pterins and dihydropteridine reductase activity in erythrocytes. (PMID: 26322415). The variant c.799C>T (p.Gln267Ter) is absent from the gnomAD, ExAC, PAGE, and ESP population databases. In summary, this variant meets the criteria to be classified as pathogenic for PAH. PAH-specific ACMG/AMP criteria applied: PM2, PM3_Strong, PVS1, PP4-moderate.

Labcorp Genetics (formerly Invitae), Labcorp
Classification: Pathogenic for Phenylketonuria. Last evaluated: 2018-11-05. Review status: criteria provided, single submitter. Criteria: Invitae Variant Classification Sherloc (09022015). Collection method: clinical testing. Allele origin: germline. Not counted in ClinVar's aggregate classification.
Comment: For these reasons, this variant has been classified as Pathogenic. Loss-of-function variants in PAH are known to be pathogenic (PMID: 1301187, 9634518). This variant has been observed in several individuals affected with PKU (PMID: 26322415, 18798839). This variant is not present in population databases (ExAC no frequency). This sequence change creates a premature translational stop signal (p.Gln267*) in the PAH gene. It is expected to result in an absent or disrupted protein product.

Literature cited by the submitters: PubMed 26322415 (cited by ClinGen PAH Variant Curation Expert Panel and Labcorp Genetics (formerly Invitae), Labcorp); PubMed 18798839 (cited by ClinGen PAH Variant Curation Expert Panel and Labcorp Genetics (formerly Invitae), Labcorp); PubMed 1301187 (cited by Labcorp Genetics (formerly Invitae), Labcorp); PubMed 9634518 (cited by Labcorp Genetics (formerly Invitae), Labcorp).